The following is an entry in ClinVar:

NM_000057.4(BLM):c.1778T>C (p.Ile593Thr)

Gene: BLM (BLM RecQ like helicase; plus strand). Cytogenetic location: 15q26.1.
Variant type: single nucleotide variant.
Coding change: c.1778T>C on transcript NM_000057.4 (MANE Select); coding-DNA position 1778, T replaced by C.
Protein change: p.Ile593Thr; replaces isoleucine 593 with threonine.
Molecular consequence: missense variant.
Genome position (GRCh38, 1-based): chr15:90,761,151, T>C. VCF-style: chr15-90761151-T-C. GRCh37 (hg19) VCF-style: chr15-91304381-T-C.
Other names: c.1778T>C, p.Ile593Thr (NM_001287246.2, NM_001287247.2); c.653T>C, p.Ile218Thr (NM_001287248.2); short protein forms I218T, I593T.
Identifiers: ClinVar variation 3824441 (VCV003824441.1).

ClinVar aggregate classification (germline): Uncertain significance (1 of 4 stars; one submission).

Conditions:
Hereditary cancer-predisposing syndrome. Also called: Hereditary neoplastic syndrome; Neoplastic Syndromes, Hereditary; Tumor predisposition; Hereditary Cancer Syndrome. Identifiers: Orphanet 140162, MedGen C0027672, MeSH D009386, MONDO:0015356.

Submission:

Ambry Genetics
Classification: Uncertain significance for Hereditary cancer-predisposing syndrome. Last evaluated: 2024-12-25. Review status: criteria provided, single submitter. Criteria: Ambry Variant Classification Scheme 2023. Collection method: clinical testing. Allele origin: germline.
Comment: The p.I593T variant (also known as c.1778T>C), located in coding exon 6 of the BLM gene, results from a T to C substitution at nucleotide position 1778. The isoleucine at codon 593 is replaced by threonine, an amino acid with similar properties. This amino acid position is conserved. In addition, this alteration is predicted to be tolerated by in silico analysis. Based on the available evidence, the clinical significance of this variant remains unclear.